The following is an entry in ClinVar:

ClinVar aggregate classification (germline): Uncertain significance (1 of 4 stars; one submission).

Conditions:
Inborn genetic diseases. Identifiers: MedGen C0950123, MeSH D030342.

gnomAD v4.1: 2 of 1,613,464 alleles (0.00012%); highest among the groups gnomAD compares: South Asian, 0.0022%; no homozygotes.

Submission:

Ambry Genetics
Classification: Uncertain significance for Inborn genetic diseases. Last evaluated: 2025-04-03. Review status: criteria provided, single submitter. Criteria: Ambry Variant Classification Scheme 2023. Collection method: clinical testing. Allele origin: germline.
Comment: The p.T966A variant (also known as c.2896A>G), located in coding exon 1 of the SAMD9L gene, results from an A to G substitution at nucleotide position 2896. The threonine at codon 966 is replaced by alanine, an amino acid with similar properties. This amino acid position is conserved. In addition, this alteration is predicted to be tolerated by in silico analysis. Based on the available evidence, the clinical significance of this variant remains unclear.

NM_152703.5(SAMD9L):c.2896A>G (p.Thr966Ala)

Gene: SAMD9L (sterile alpha motif domain containing 9 like; minus strand). Cytogenetic location: 7q21.2.
Variant type: single nucleotide variant.
Coding change: c.2896A>G on transcript NM_152703.5 (MANE Select); coding-DNA position 2896, A replaced by G.
Protein change: p.Thr966Ala; replaces threonine 966 with alanine.
Molecular consequence: missense variant.
Genome position (GRCh38, 1-based): chr7:93,133,076, T>C on the plus strand (A>G on the coding strand, the complement: SAMD9L is on the minus strand). VCF-style: chr7-93133076-T-C. GRCh37 (hg19) VCF-style: chr7-92762389-T-C.
Other names: c.2896A>G, p.Thr966Ala (NM_001303496.3, NM_001303497.3, NM_001303498.3 and 5 more transcripts); short protein forms T966A.
Identifiers: ClinVar variation 3949802 (VCV003949802.1).